The following is an entry in ClinVar:

NM_003545.4(H4C5):c.-7G>C

Genes: H4C5 (H4 clustered histone 5; plus strand), LOC129996026 (ATAC-STARR-seq lymphoblastoid active region 24207; plus strand). Cytogenetic location: 6p22.2.
Variant type: single nucleotide variant.
Coding change: c.-7G>C on transcript NM_003545.4 (MANE Select); 7 bases upstream of the start codon, G replaced by C.
Molecular consequence: 5 prime UTR variant.
Genome position (GRCh38, 1-based): chr6:26,204,638, G>C. VCF-style: chr6-26204638-G-C. GRCh37 (hg19) VCF-style: chr6-26204866-G-C.
Identifiers: ClinVar variation 4688544 (VCV004688544.1).

ClinVar aggregate classification (germline): Uncertain significance (1 of 4 stars; one submission).

gnomAD v4.1: 1 of 1,579,382 alleles (0.000063%); highest among the groups gnomAD compares: Non-Finnish European, 0.000086%; no homozygotes.

Submission:

Women's Health and Genetics/Laboratory Corporation of America, LabCorp
Classification: Uncertain significance. Last evaluated: 2025-12-05. Review status: criteria provided, single submitter. Criteria: LabCorp Variant Classification Summary - May 2015. Collection method: clinical testing. Allele origin: germline.
Comment: Variant summary: H4C5 c.-7G>C is located in the untranslated mRNA region upstream of the initiation codon. The variant allele was found at a frequency of 6.3e-07 in 1579382 control chromosomes. The available data on variant occurrences in the general population are insufficient to allow any conclusion about variant significance. To our knowledge, no occurrence of c.-7G>C in individuals affected with H4C5-related conditions and no experimental evidence demonstrating its impact on protein function have been reported. No submitters have cited clinical-significance assessments for this variant to ClinVar. Based on the evidence outlined above, the variant was classified as uncertain significance.